The following is an entry in ClinVar:

ClinVar aggregate classification (germline): Conflicting classifications of pathogenicity. Review status: criteria provided, conflicting classifications (1 of 4 stars). 2 submissions from 2 submitters: Likely pathogenic (1); Uncertain significance (1). Last evaluated 2024-04-08.

Conditions:
Congenital myasthenic syndrome 18. Also called: MYASTHENIC SYNDROME, CONGENITAL, 18, WITH INTELLECTUAL DISABILITY AND ATAXIA. Identifiers: Orphanet 590, MedGen C4225364, MONDO:0014590, OMIM 616330.
Inborn genetic diseases. Identifiers: MedGen C0950123, MeSH D030342.

Submissions (2):

Ambry Genetics
Classification: Likely pathogenic for Inborn genetic diseases. Last evaluated: 2024-04-08. Review status: criteria provided, single submitter. Criteria: Ambry Variant Classification Scheme 2023. Collection method: clinical testing. Allele origin: germline.
Comment: The c.488T>G (p.M163R) alteration is located in exon 7 (coding exon 6) of the SNAP25 gene. This alteration results from a T to G substitution at nucleotide position 488, causing the methionine (M) at amino acid position 163 to be replaced by an arginine (R). This variant was not reported in population-based cohorts in the Genome Aggregation Database (gnomAD). This amino acid position is highly conserved in available vertebrate species. This missense alteration is located in a region that has a low rate of benign missense variation (Lek, 2016; Firth, 2009). This alteration is predicted to be deleterious by in silico analysis. Based on the available evidence, this alteration is classified as likely pathogenic.

Labcorp Genetics (formerly Invitae), Labcorp
Classification: Uncertain significance for Congenital myasthenic syndrome 18. Last evaluated: 2023-08-23. Review status: criteria provided, single submitter. Criteria: Invitae Variant Classification Sherloc (09022015). Collection method: clinical testing. Allele origin: germline.
Comment: In summary, the available evidence is currently insufficient to determine the role of this variant in disease. Therefore, it has been classified as a Variant of Uncertain Significance. An algorithm developed to predict the effect of missense changes on protein structure and function (PolyPhen-2) suggests that this variant is likely to be disruptive. This variant has not been reported in the literature in individuals affected with SNAP25-related conditions. This variant is not present in population databases (gnomAD no frequency). This sequence change replaces methionine, which is neutral and non-polar, with arginine, which is basic and polar, at codon 163 of the SNAP25 protein (p.Met163Arg).

NM_130811.4(SNAP25):c.488T>G (p.Met163Arg)

Gene: SNAP25 (synaptosome associated protein 25; plus strand). Cytogenetic location: 20p12.2.
Variant type: single nucleotide variant.
Coding change: c.488T>G on transcript NM_130811.4 (MANE Select); coding-DNA position 488, T replaced by G.
Protein change: p.Met163Arg; replaces methionine 163 with arginine.
Molecular consequence: missense variant.
Genome position (GRCh38, 1-based): chr20:10,299,348, T>G. VCF-style: chr20-10299348-T-G. GRCh37 (hg19) VCF-style: chr20-10279996-T-G.
Other names: c.488T>G (NM_003081.3); c.488T>G, p.Met163Arg (NM_001322903.2, NM_001322904.2, NM_001322905.2 and 9 more transcripts); short protein forms M163R.
Identifiers: ClinVar variation 2754201 (VCV002754201.4), dbSNP rs2514853132, ClinGen allele CA408266628.
Genomic context (GRCh38, chr20:10,299,348, plus strand): 5'-AAAATGAAATGGATGAAAACCTAGAGCAGGTGAGCGGCATCATCGGGAACCTCCGTCACA[T>G]GGCCCTGGATATGGGCAATGAGATCGATACACAGAATCGCCAGATCGACAGGATCATGGA-3'
Protein context (NP_570824.1, residues 153-173): VSGIIGNLRH[Met163Arg]ALDMGNEIDT